The following is an entry in ClinVar:

NM_001374828.1(ARID1B):c.1170CGG[3] (p.Gly398_Gly402del)

Gene: ARID1B (AT-rich interaction domain 1B; plus strand). Cytogenetic location: 6q25.3.
Variant type: Microsatellite.
Coding change: c.1170CGG[3] on transcript NM_001374828.1 (MANE Select); three copies in a row of the 3-base unit CGG starting at c.1170; the reference has eight copies in a row; five copies, 15 bases deleted.
Protein change: p.Gly398_Gly402del.
Molecular consequence: inframe deletion.
Genome position (GRCh38, 1-based): chr6:156,778,859-156,778,873, CGGCGGCGGCGGCGG deleted; deleting any 15 consecutive bases within chr6:156,778,848-156,778,873 gives the same sequence; the position shown is the placement nearest the transcript's 3' end. VCF-style (leftmost placement, unchanged base first): chr6-156778847-GGGCGGCGGCGGCGGC-G. GRCh37 (hg19) VCF-style: chr6-157099981-GGGCGGCGGCGGCGGC-G.
Other names: c.1170CGG[3], p.Gly398_Gly402del (NM_001371656.1, NM_001374820.1, NM_017519.3); c.930_944del (NM_020732.3).
Identifiers: ClinVar variation 374730 (VCV000374730.49), dbSNP rs587779747, ClinGen allele CA16043868.

ClinVar aggregate classification (germline): Conflicting classifications of pathogenicity. Review status: criteria provided, conflicting classifications (1 of 4 stars). 3 submissions from 3 submitters: Uncertain significance (1); Likely benign (2). Last evaluated 2026-07-01.

Submissions (3):

CeGaT Center for Human Genetics Tuebingen
Classification: Likely benign. Last evaluated: 2026-07-01. Review status: criteria provided, single submitter. Criteria: CeGaT Center For Human Genetics Tuebingen Variant Classification Criteria Version 2. Collection method: clinical testing. Allele origin: germline. Affected: yes. Observed: 4 variant alleles.
Comment: ARID1B: BP3, BS2

Labcorp Genetics (formerly Invitae), Labcorp
Classification: Uncertain significance. Last evaluated: 2025-06-03. Review status: criteria provided, single submitter. Criteria: Invitae Variant Classification Sherloc (09022015). Collection method: clinical testing. Allele origin: germline.
Comment: This variant, c.930_944del, results in the deletion of 5 amino acid(s) of the ARID1B protein (p.Gly315_Gly319del), but otherwise preserves the integrity of the reading frame. This variant is not present in population databases (gnomAD no frequency). This variant has not been reported in the literature in individuals affected with ARID1B-related conditions. ClinVar contains an entry for this variant (Variation ID: 374730). Experimental studies and prediction algorithms are not available or were not evaluated, and the functional significance of this variant is currently unknown. In summary, the available evidence is currently insufficient to determine the role of this variant in disease. Therefore, it has been classified as a Variant of Uncertain Significance.

GeneDx
Classification: Likely benign. Last evaluated: 2021-02-16. Review status: criteria provided, single submitter. Criteria: GeneDx Variant Classification Process June 2021. Collection method: clinical testing. Allele origin: germline. Affected: yes.